The following is an entry in ClinVar:

NM_001943.5(DSG2):c.2701A>C (p.Lys901Gln)

Genes: DSG2 (desmoglein 2; plus strand), DSG2-AS1 (DSG2 antisense RNA 1; minus strand). Cytogenetic location: 18q12.1.
Variant type: single nucleotide variant.
Coding change: c.2701A>C on transcript NM_001943.5 (MANE Select); coding-DNA position 2701, A replaced by C.
Protein change: p.Lys901Gln; replaces lysine 901 with glutamine.
Molecular consequence: missense variant.
Genome position (GRCh38, 1-based): chr18:31,546,087, A>C. VCF-style: chr18-31546087-A-C. GRCh37 (hg19) VCF-style: chr18-29126050-A-C.
Other names: short protein forms K901Q.
Identifiers: ClinVar variation 2775240 (VCV002775240.2), dbSNP rs2510922400, ClinGen allele CA402146230.

ClinVar aggregate classification (germline): Uncertain significance (1 of 4 stars; one submission).

Conditions:
Cardiomyopathy (CMYO). Also called: Cardiomyopathies. Identifiers: Orphanet 167848, MedGen C0878544, MONDO:0004994, HP:0001638. Inheritance: Various modes of inheritance.

Submission:

Color Diagnostics, LLC DBA Color Health
Classification: Uncertain significance for Cardiomyopathy. Last evaluated: 2022-11-21. Review status: criteria provided, single submitter. Criteria: ACMG Guidelines, 2015. Collection method: clinical testing. Allele origin: germline.
Comment: This missense variant replaces lysine with glutamine at codon 901 of the DSG2 protein. Computational prediction suggests that this variant may not impact protein structure and function (internally defined REVEL score threshold <= 0.5, PMID: 27666373). To our knowledge, functional studies have not been reported for this variant. This variant has not been reported in individuals affected with DSG2-related disorders in the literature. This variant has not been identified in the general population by the Genome Aggregation Database (gnomAD). The available evidence is insufficient to determine the role of this variant in disease conclusively. Therefore, this variant is classified as a Variant of Uncertain Significance.